The following is an entry in ClinVar:

ClinVar aggregate classification (germline): Uncertain significance (1 of 4 stars; one submission).

Submission:

GeneDx
Classification: Uncertain significance. Last evaluated: 2026-02-08. Review status: criteria provided, single submitter. Criteria: GeneDx Variant Classification Process June 2021. Collection method: clinical testing. Allele origin: germline.
Comment: Not observed at significant frequency in large population cohorts (gnomAD); In silico analysis supports that this missense variant has a deleterious effect on protein structure/function; Has not been previously published as pathogenic or benign to our knowledge

NM_015981.4(CAMK2A):c.328G>C (p.Ala110Pro)

Gene: CAMK2A (calcium/calmodulin dependent protein kinase II alpha; minus strand). Cytogenetic location: 5q32.
Variant type: single nucleotide variant.
Coding change: c.328G>C on transcript NM_015981.4 (MANE Select); coding-DNA position 328, G replaced by C.
Protein change: p.Ala110Pro; replaces alanine 110 with proline.
Molecular consequence: missense variant.
Genome position (GRCh38, 1-based): chr5:150,256,776, C>G on the plus strand (G>C on the coding strand, the complement: CAMK2A is on the minus strand). VCF-style: chr5-150256776-C-G. GRCh37 (hg19) VCF-style: chr5-149636339-C-G.
Other names: c.328G>C, p.Ala110Pro (NM_001363989.1, NM_001363990.1, NM_001369025.2 and 1 more transcripts); short protein forms A110P.
Identifiers: ClinVar variation 4975783 (VCV004975783.1).